The following is an entry in ClinVar:

NM_014915.3(ANKRD26):c.4183A>G (p.Met1395Val)

Gene: ANKRD26 (ankyrin repeat domain 26; minus strand). Cytogenetic location: 10p12.1.
Variant type: single nucleotide variant.
Coding change: c.4183A>G on transcript NM_014915.3 (MANE Select); coding-DNA position 4183, A replaced by G.
Protein change: p.Met1395Val; replaces methionine 1395 with valine.
Molecular consequence: missense variant.
Genome position (GRCh38, 1-based): chr10:27,022,590, T>C on the plus strand (A>G on the coding strand, the complement: ANKRD26 is on the minus strand). VCF-style: chr10-27022590-T-C. GRCh37 (hg19) VCF-style: chr10-27311519-T-C.
Other names: c.4180A>G, p.Met1394Val (NM_001256053.2); short protein forms M1395V, M1394V.
Identifiers: ClinVar variation 4826403 (VCV004826403.1).

ClinVar aggregate classification (germline): Uncertain significance (1 of 4 stars; one submission).

Conditions:
Inborn genetic diseases. Identifiers: MedGen C0950123, MeSH D030342.

Submission:

Ambry Genetics
Classification: Uncertain significance for Inborn genetic diseases. Last evaluated: 2026-02-24. Review status: criteria provided, single submitter. Criteria: Ambry Variant Classification Scheme 2023. Collection method: clinical testing. Allele origin: germline.
Comment: The p.M1395V variant (also known as c.4183A>G), located in coding exon 29 of the ANKRD26 gene, results from an A to G substitution at nucleotide position 4183. The methionine at codon 1395 is replaced by valine, an amino acid with highly similar properties. This amino acid position is conserved. In addition, this alteration is predicted to be tolerated by in silico analysis. Based on the available evidence, the clinical significance of this variant remains unclear.